The following is an entry in ClinVar:

NM_031229.4(RBCK1):c.992C>T (p.Ser331Leu)

Gene: RBCK1 (RANBP2-type and C3HC4-type zinc finger containing 1; plus strand). Cytogenetic location: 20p13.
Variant type: single nucleotide variant.
Coding change: c.992C>T on transcript NM_031229.4 (MANE Select); coding-DNA position 992, C replaced by T.
Protein change: p.Ser331Leu; replaces serine 331 with leucine.
Molecular consequence: missense variant. On other transcripts: non-coding transcript variant (1).
Genome position (GRCh38, 1-based): chr20:422,201, C>T. VCF-style: chr20-422201-C-T. GRCh37 (hg19) VCF-style: chr20-402845-C-T.
Other names: c.482C>T, p.Ser161Leu (NM_001323956.2, NM_001323958.2); c.866C>T, p.Ser289Leu (NM_006462.6); c.992C>T (NM_031229.2); short protein forms S161L, S289L, S331L.
Identifiers: ClinVar variation 848393 (VCV000848393.6), dbSNP rs781592121, ClinGen allele CA9723243.
Genomic context (GRCh38, chr20:422,201, plus strand): 5'-GCACCATCCGCAACAGCCAGGAGGCGGAGGTCTCCTGCCCCTTCATTGACAACACCTACT[C>T]GTGCTCGGGCAAGCTGCTGGAGAGGGAGATCAAGGCGGTAAGGCCTCAGGGTGGGAGACA-3'
Protein context (NP_112506.2, residues 321-341): VSCPFIDNTY[Ser331Leu]CSGKLLEREI

ClinVar aggregate classification (germline): Uncertain significance. Review status: criteria provided, multiple submitters, no conflicts (2 of 4 stars). 2 submissions from 2 submitters: Uncertain significance (2). Last evaluated 2025-12-31.

Conditions:
Inborn genetic diseases. Identifiers: MedGen C0950123, MeSH D030342.
Polyglucosan body myopathy type 1 (PGBM1). Also called: Polyglucosan body myopathy 1 with or without immunodeficiency; POLYGLUCOSAN BODY MYOPATHY WITHOUT IMMUNODEFICIENCY. Identifiers: Orphanet 329173, Orphanet 397937, MedGen C4014605, MONDO:0014389, OMIM 615895.

Allele frequency attached by ClinVar (database versions not stated): gnomAD exomes 0.00004 and 0.00009; gnomAD 0.00005 and 0.00006; TOPMed 0.00007; ExAC 0.00006.
gnomAD v4.1: 78 of 1,613,310 alleles (0.0048%); highest among the groups gnomAD compares: Non-Finnish European, 0.0012%; no homozygotes.

Submissions (2):

Labcorp Genetics (formerly Invitae), Labcorp
Classification: Uncertain significance for Polyglucosan body myopathy type 1. Last evaluated: 2025-12-31. Review status: criteria provided, single submitter. Criteria: Invitae Variant Classification Sherloc (09022015). Collection method: clinical testing. Allele origin: germline.
Comment: This sequence change replaces serine, which is neutral and polar, with leucine, which is neutral and non-polar, at codon 331 of the RBCK1 protein (p.Ser331Leu). This variant is present in population databases (rs781592121, gnomAD 0.2%). This variant has not been reported in the literature in individuals affected with RBCK1-related conditions. ClinVar contains an entry for this variant (Variation ID: 848393). Invitae Evidence Modeling of protein sequence and biophysical properties (such as structural, functional, and spatial information, amino acid conservation, physicochemical variation, residue mobility, and thermodynamic stability) has been performed for this missense variant. However, the output from this modeling did not meet the statistical confidence thresholds required to predict the impact of this variant on RBCK1 protein function. In summary, the available evidence is currently insufficient to determine the role of this variant in disease. Therefore, it has been classified as a Variant of Uncertain Significance.

Ambry Genetics
Classification: Uncertain significance for Inborn genetic diseases. Last evaluated: 2021-08-02. Review status: criteria provided, single submitter. Criteria: Ambry Variant Classification Scheme 2023. Collection method: clinical testing. Allele origin: germline.